The following is an entry in ClinVar:

NM_001492.6(GDF1):c.371G>T (p.Cys124Phe)

Genes: CERS1 (ceramide synthase 1; minus strand), GDF1 (growth differentiation factor 1; minus strand). Cytogenetic location: 19p13.11.
Variant type: single nucleotide variant.
Coding change: c.371G>T on transcript NM_001492.6 (MANE Select); coding-DNA position 371, G replaced by T.
Protein change: p.Cys124Phe; replaces cysteine 124 with phenylalanine.
Molecular consequence: missense variant. On other transcripts: 3 prime UTR variant (2).
Genome position (GRCh38, 1-based): chr19:18,869,345, C>A on the plus strand (G>T on the coding strand, the complement: GDF1 is on the minus strand). VCF-style: chr19-18869345-C-A. GRCh37 (hg19) VCF-style: chr19-18980154-C-A.
Other names: c.*1232G>T (NM_001387440.1); c.*640G>T (NM_021267.5); c.371G>T, p.Cys124Phe (NM_001387438.1); c.371G>T (NM_001492.5); short protein forms C124F.
Identifiers: ClinVar variation 392938 (VCV000392938.3), dbSNP rs1057524707, ClinGen allele CA16608982.
Genomic context (GRCh38, chr19:18,869,345, plus strand): 5'-CGGCTCGGGCGCTCAGCGGGTTCCACAGCCGACAGGTCGAAGACGACTGTCCACTCAGGG[C>A]AATGCCCCGCGGCCGAGGCAGGCTCCGAGGCCCGGGTGGGCGCACCTGGGGAGGTAGGAA-3'
Protein context (NP_001483.3, residues 114-134): ASEPASAAGH[Cys124Phe]PEWTVVFDLS

ClinVar aggregate classification (germline): Conflicting classifications of pathogenicity. Review status: criteria provided, conflicting classifications (1 of 4 stars). 2 submissions from 2 submitters: Likely pathogenic (1); Uncertain significance (1). Last evaluated 2026-07-10.

Conditions:
GDF1-related disorder. Also called: GDF1-related condition.

Allele frequency attached by ClinVar (database versions not stated): gnomAD 0.00001; gnomAD exomes 0.00002.
gnomAD v4.1: 11 of 1,531,716 alleles (0.00072%); highest among the groups gnomAD compares: Middle Eastern, 0.046%; no homozygotes.

Submissions (2):

PreventionGenetics, part of Exact Sciences
Classification: Uncertain significance for GDF1-related condition. Last evaluated: 2026-07-10. Review status: criteria provided, single submitter. Criteria: ACMG Guidelines, 2015. Collection method: clinical testing. Allele origin: germline.
Comment: The GDF1 c.371G>T variant is predicted to result in the amino acid substitution p.Cys124Phe. To our knowledge, this variant has not been reported in individuals affected with GDF1-related disease. This variant is reported in 0.0045% of alleles in individuals of South Asian descent in gnomAD. At this time, the clinical significance of this variant is uncertain due to the absence of conclusive functional and genetic evidence.

GeneDx
Classification: Likely pathogenic. Last evaluated: 2017-02-07. Review status: criteria provided, single submitter. Criteria: GeneDx Variant Classification (06012015). Collection method: clinical testing. Allele origin: germline. Affected: yes.
Comment: The C124F variant in the GDF1 gene has not been reported previously as a pathogenic variant, nor as a benign variant, to our knowledge. The C124F variant is a non-conservative amino acid substitution, which is likely to impact secondary protein structure as these residues differ in polarity, charge, size and/or other properties. In addition, this substitution occurs at a position that is conserved across mammalian species, and in silico analysis predicts this variant is probably damaging to the protein structure/function. Adequate data is not available in large population cohorts to assess the frequency of this variant in publicly available databases; however, this variant has not been detected at a significant frequency in presumably healthy individuals tested at GeneDx. We interpretC124F as a likely pathogenic ariant.